The following is an entry in ClinVar:

ClinVar aggregate classification (germline): Uncertain significance (1 of 4 stars; one submission).

Conditions:
Amyotrophic lateral sclerosis type 1 (ALS1). Also called: AMYOTROPHIC LATERAL SCLEROSIS 1, FAMILIAL. Identifiers: Orphanet 803, MedGen C1862939, MONDO:0007103, OMIM 105400.
Neuronopathy, distal hereditary motor, type 7B. Also called: HMN VIIB; LOWER MOTOR NEURON DISEASE, DYNACTIN TYPE; NEURONOPATHY, DISTAL HEREDITARY MOTOR, AUTOSOMAL DOMINANT 14; NEURONOPATHY, DISTAL HEREDITARY MOTOR, HARDING TYPE VIIB; NEUROPATHY, DISTAL HEREDITARY MOTOR, HARDING TYPE VIIB; NEUROPATHY, DISTAL HEREDITARY MOTOR, WITH VOCAL CORD PARALYSIS, HARDING TYPE VIIB. Identifiers: Orphanet 139589, MedGen C1843315, MONDO:0011879, OMIM 607641.
Perry syndrome. Also called: PARKINSONISM WITH ALVEOLAR HYPOVENTILATION AND MENTAL DEPRESSION. Identifiers: Orphanet 178509, MedGen C1868594, MONDO:0008201, OMIM 168605.

gnomAD v4.1: 6 of 1,614,156 alleles (0.00037%); highest among the groups gnomAD compares: South Asian, 0.0066%; no homozygotes.

Submission:

Labcorp Genetics (formerly Invitae), Labcorp
Classification: Uncertain significance for Amyotrophic lateral sclerosis type 1; Neuronopathy, distal hereditary motor, type 7B; Perry syndrome. Last evaluated: 2024-12-07. Review status: criteria provided, single submitter. Criteria: Invitae Variant Classification Sherloc (09022015). Collection method: clinical testing. Allele origin: germline.
Comment: This sequence change replaces alanine, which is neutral and non-polar, with valine, which is neutral and non-polar, at codon 1124 of the DCTN1 protein (p.Ala1124Val). This variant is present in population databases (rs750471190, gnomAD 0.003%). This variant has not been reported in the literature in individuals affected with DCTN1-related conditions. Invitae Evidence Modeling of protein sequence and biophysical properties (such as structural, functional, and spatial information, amino acid conservation, physicochemical variation, residue mobility, and thermodynamic stability) indicates that this missense variant is not expected to disrupt DCTN1 protein function with a negative predictive value of 95%. In summary, the available evidence is currently insufficient to determine the role of this variant in disease. Therefore, it has been classified as a Variant of Uncertain Significance.

NM_004082.5(DCTN1):c.3371C>T (p.Ala1124Val)

Gene: DCTN1 (dynactin subunit 1; minus strand). Cytogenetic location: 2p13.1.
Variant type: single nucleotide variant.
Coding change: c.3371C>T on transcript NM_004082.5 (MANE Select); coding-DNA position 3371, C replaced by T.
Protein change: p.Ala1124Val; replaces alanine 1124 with valine.
Molecular consequence: missense variant. On other transcripts: non-coding transcript variant (1).
Genome position (GRCh38, 1-based): chr2:74,363,152, G>A on the plus strand (C>T on the coding strand, the complement: DCTN1 is on the minus strand). VCF-style: chr2-74363152-G-A. GRCh37 (hg19) VCF-style: chr2-74590279-G-A.
Other names: c.3296C>T, p.Ala1099Val (NM_001135040.3); c.2954C>T, p.Ala985Val (NM_001135041.3); c.3245C>T, p.Ala1082Val (NM_001190836.2); c.3350C>T, p.Ala1117Val (NM_001190837.2); c.3320C>T, p.Ala1107Val (NM_001378991.1); c.3302C>T, p.Ala1101Val (NM_001378992.1); c.2969C>T, p.Ala990Val (NM_023019.4); short protein forms A1082V, A1099V, A1101V, A1107V, A1117V, A1124V, A985V, A990V.
Identifiers: ClinVar variation 3753155 (VCV003753155.2).
Genomic context (GRCh38, chr2:74,363,152, plus strand): 5'-GGTAACTCACTGCCAGGGCCCTCATGGGATAGCTTTGCAACATGCAGAGGGGGCAGGGAT[G>A]CCAAGGATGCCTTCATCTGGGCTCCCTGTGGATGAAAAAAGAAGGATAGTGGTAAGAGGT-3'
Protein context (NP_004073.2, residues 1114-1134): LKGAQMKASL[Ala1124Val]SLPPLHVAKL